The following is an entry in ClinVar:

ClinVar aggregate classification (germline): Uncertain significance. Review status: criteria provided, multiple submitters, no conflicts (2 of 4 stars). 2 submissions from 2 submitters: Uncertain significance (2). Last evaluated 2025-11-13.

Conditions:
Inborn genetic diseases. Identifiers: MedGen C0950123, MeSH D030342.

Allele frequency attached by ClinVar (database versions not stated): TOPMed 0.00001; gnomAD exomes 0.00002; ExAC 0.00011.
gnomAD v4.1: 33 of 1,580,568 alleles (0.0021%); highest among the groups gnomAD compares: South Asian, 0.031%; no homozygotes.

Submissions (2):

Ambry Genetics
Classification: Uncertain significance for Inborn genetic diseases. Last evaluated: 2025-11-13. Review status: criteria provided, single submitter. Criteria: Ambry Variant Classification Scheme 2023. Collection method: clinical testing. Allele origin: germline.

Labcorp Genetics (formerly Invitae), Labcorp
Classification: Uncertain significance. Last evaluated: 2022-04-06. Review status: criteria provided, single submitter. Criteria: Invitae Variant Classification Sherloc (09022015). Collection method: clinical testing. Allele origin: germline.
Comment: This sequence change replaces arginine, which is basic and polar, with cysteine, which is neutral and slightly polar, at codon 745 of the MYO18B protein (p.Arg745Cys). This variant is present in population databases (rs780914299, gnomAD 0.03%). This variant has not been reported in the literature in individuals affected with MYO18B-related conditions. Algorithms developed to predict the effect of missense changes on protein structure and function are either unavailable or do not agree on the potential impact of this missense change (SIFT: "Not Available"; PolyPhen-2: "Benign"; Align-GVGD: "Not Available"). In summary, the available evidence is currently insufficient to determine the role of this variant in disease. Therefore, it has been classified as a Variant of Uncertain Significance.

NM_032608.7(MYO18B):c.2233C>T (p.Arg745Cys)

Gene: MYO18B (myosin XVIIIB; plus strand). Cytogenetic location: 22q12.1.
Variant type: single nucleotide variant.
Coding change: c.2233C>T on transcript NM_032608.7 (MANE Select); coding-DNA position 2233, C replaced by T.
Protein change: p.Arg745Cys; replaces arginine 745 with cysteine.
Molecular consequence: missense variant.
Genome position (GRCh38, 1-based): chr22:25,781,755, C>T. VCF-style: chr22-25781755-C-T. GRCh37 (hg19) VCF-style: chr22-26177722-C-T.
Other names: c.2233C>T (NM_032608.5); c.2233C>T, p.Arg745Cys (NM_001318245.2); short protein forms R745C.
Identifiers: ClinVar variation 2420620 (VCV002420620.4), dbSNP rs780914299, ClinGen allele CA10160101.